The following is an entry in ClinVar:

ClinVar aggregate classification (germline): Pathogenic (1 of 4 stars; one submission).

Submission:

Labcorp Genetics (formerly Invitae), Labcorp
Classification: Pathogenic. Last evaluated: 2025-11-13. Review status: criteria provided, single submitter. Criteria: Invitae Variant Classification Sherloc (09022015). Collection method: clinical testing. Allele origin: germline.
Comment: This sequence change creates a premature translational stop signal (p.Cys1378Valfs*70) in the TET2 gene. It is expected to result in an absent or disrupted protein product. Loss-of-function variants in TET2 are known to be pathogenic (PMID: 36066697). This variant is not present in population databases (gnomAD no frequency). This variant has not been reported in the literature in individuals affected with TET2-related conditions. For these reasons, this variant has been classified as Pathogenic.

Literature cited by the submitters: PubMed 36066697.

NM_001127208.3(TET2):c.4131del (p.Cys1378fs)

Genes: TET2 (tet methylcytosine dioxygenase 2; plus strand), TET2-AS1 (TET2 antisense RNA 1; minus strand). Cytogenetic location: 4q24.
Variant type: Deletion.
Coding change: c.4131del on transcript NM_001127208.3 (MANE Select); coding-DNA position 4131, one base deleted (C; older notation c.4131delC).
Protein change: p.Cys1378fs; shifts the reading frame from cysteine 1378.
Molecular consequence: frameshift variant.
Genome position (GRCh38, 1-based): chr4:105,269,696, C deleted. VCF-style (leftmost placement, unchanged base first): chr4-105269695-TC-T. GRCh37 (hg19) VCF-style: chr4-106190852-TC-T.
Other names: short protein forms C1378fs.
Identifiers: ClinVar variation 4731185 (VCV004731185.1).